The following is an entry in ClinVar:

NC_000018.9:g.(72353079_72493383)_(72601995_72632469)del

Gene: ZNF407 (zinc finger protein 407; plus strand). Cytogenetic location: 18q22.3.
Variant type: Deletion.
Identifiers: ClinVar variation 3385163 (VCV003385163.1).

ClinVar aggregate classification (germline): Uncertain significance (1 of 4 stars; one submission).

Submission:

Women's Health and Genetics/Laboratory Corporation of America, LabCorp
Classification: Uncertain significance. Last evaluated: 2024-10-21. Review status: criteria provided, single submitter. Criteria: LabCorp Variant Classification Summary - May 2015. Collection method: clinical testing. Allele origin: germline.
Comment: Variant summary: The variant involves the deletion of exons 4-7 in the ZNF407 gene. A presumed nomenclature of c.(4802+1_4803-1)_(5249+1_5250-1)del has been designated for the purposes of this classification. This Copy Number Variant (CNV) is predicted to result in an in-frame deletion within this gene. Current evidence is not sufficient to establish loss of function as a mechanism for disease. The variant was absent in 21694 control chromosomes (gnomAD, structural variants dataset). The available data on variant occurrences in the general population are insufficient to allow any conclusion about variant significance. To our knowledge, no occurrence of c.(4802+1_4803-1)_(5249+1_5250-1)del in individuals affected with ZNF407-Related Disorders and no experimental evidence demonstrating its impact on protein function have been reported. No submitters have cited clinical-significance assessments for this variant to ClinVar. Based on the evidence outlined above, the variant was classified as uncertain significance.